The following is an entry in ClinVar:

NM_002907.4(RECQL):c.324G>C (p.Glu108Asp)

Gene: RECQL (RecQ like helicase; minus strand). Cytogenetic location: 12p12.1.
Variant type: single nucleotide variant.
Coding change: c.324G>C on transcript NM_002907.4 (MANE Select); coding-DNA position 324, G replaced by C.
Protein change: p.Glu108Asp; replaces glutamic acid 108 with aspartic acid.
Molecular consequence: missense variant.
Genome position (GRCh38, 1-based): chr12:21,490,269, C>G on the plus strand (G>C on the coding strand, the complement: RECQL is on the minus strand). VCF-style: chr12-21490269-C-G. GRCh37 (hg19) VCF-style: chr12-21643203-C-G.
Other names: c.324G>C, p.Glu108Asp (NM_032941.3); short protein forms E108D.
Identifiers: ClinVar variation 1729404 (VCV001729404.2), dbSNP rs1943384527, ClinGen allele CA384132674.

ClinVar aggregate classification (germline): Uncertain significance (1 of 4 stars; one submission).

Submission:

Ambry Genetics
Classification: Uncertain significance. Last evaluated: 2020-08-05. Review status: criteria provided, single submitter. Criteria: Ambry Variant Classification Scheme 2023. Collection method: clinical testing. Allele origin: germline.
Comment: The p.E108D variant (also known as c.324G>C), located in coding exon 3 of the RECQL gene, results from a G to C substitution at nucleotide position 324. The glutamic acid at codon 108 is replaced by aspartic acid, an amino acid with highly similar properties. This amino acid position is not well conserved in available vertebrate species, and aspartic acid is the reference amino acid in other vertebrate species. In addition, this alteration is predicted to be tolerated by in silico analysis. Since supporting evidence is limited at this time, the clinical significance of this alteration remains unclear.